The following is an entry in ClinVar:

ClinVar aggregate classification (germline): Likely pathogenic (1 of 4 stars; one submission).

Submission:

CeGaT Center for Human Genetics Tuebingen
Classification: Likely pathogenic. Last evaluated: 2026-01-01. Review status: criteria provided, single submitter. Criteria: CeGaT Center For Human Genetics Tuebingen Variant Classification Criteria Version 2. Collection method: clinical testing. Allele origin: germline. Affected: yes. Observed: 1 variant allele.
Comment: TRAPPC12: PVS1:Strong, PM2, PM3:Supporting

NM_016030.6(TRAPPC12):c.1847_1854del (p.Leu616fs)

Gene: TRAPPC12 (trafficking protein particle complex subunit 12; plus strand). Cytogenetic location: 2p25.3.
Variant type: Deletion.
Coding change: c.1847_1854del on transcript NM_016030.6 (MANE Select); coding-DNA positions 1847 to 1854, 8 bases deleted (TACAGGGT; older notation c.1847_1854delTACAGGGT).
Protein change: p.Leu616fs; shifts the reading frame from leucine 616.
Molecular consequence: frameshift variant.
Genome position (GRCh38, 1-based): chr2:3,477,765-3,477,772, TACAGGGT deleted. VCF-style (leftmost placement, unchanged base first): chr2-3477764-CTACAGGGT-C. GRCh37 (hg19) VCF-style: chr2-3481535-CTACAGGGT-C.
Other names: c.1847_1854del, p.Leu616fs (NM_001321102.2); short protein forms L616fs.
Identifiers: ClinVar variation 4823032 (VCV004823032.4).
Genomic context (GRCh38, chr2:3,477,764, plus strand): 5'-ATAAAAACAGCTGAAAAGTATTTTCAAGACGTTGAGAAAGTAACACAGAAATTAGATGGA[CTACAGGGT>C]AAAATCATGGTTTTGATGAACAGGTAAATATTTTAAAACTAAATATATGTTTTCTCAAAT-3'